The following is an entry in ClinVar:

NM_025132.4(WDR19):c.3156T>G (p.Asn1052Lys)

Gene: WDR19 (WD repeat domain 19; plus strand). Cytogenetic location: 4p14.
Variant type: single nucleotide variant.
Coding change: c.3156T>G on transcript NM_025132.4 (MANE Select); coding-DNA position 3156, T replaced by G.
Protein change: p.Asn1052Lys; replaces asparagine 1052 with lysine.
Molecular consequence: missense variant.
Genome position (GRCh38, 1-based): chr4:39,257,527, T>G. VCF-style: chr4-39257527-T-G. GRCh37 (hg19) VCF-style: chr4-39259147-T-G.
Other names: c.2676T>G, p.Asn892Lys (NM_001317924.2); short protein forms N1052K, N892K.
Identifiers: ClinVar variation 1390281 (VCV001390281.3), dbSNP rs2109452251, ClinGen allele CA356643590.

ClinVar aggregate classification (germline): Uncertain significance (1 of 4 stars; one submission).

Conditions:
Asphyxiating thoracic dystrophy 5 (SRTD5). Also called: SHORT-RIB THORACIC DYSPLASIA 5 WITHOUT POLYDACTYLY; SHORT-RIB THORACIC DYSPLASIA 5 WITH OR WITHOUT POLYDACTYLY. Identifiers: Orphanet 474, MedGen C3280598, MONDO:0013717, OMIM 614376.
Senior-Loken syndrome 8 (SLSN8). Identifiers: Orphanet 3156, MedGen C4225376, MONDO:0014579, OMIM 616307.

Submission:

Labcorp Genetics (formerly Invitae), Labcorp
Classification: Uncertain significance for Senior-Loken syndrome 8; Asphyxiating thoracic dystrophy 5. Last evaluated: 2021-10-30. Review status: criteria provided, single submitter. Criteria: Invitae Variant Classification Sherloc (09022015). Collection method: clinical testing. Allele origin: germline.
Comment: This sequence change replaces asparagine, which is neutral and polar, with lysine, which is basic and polar, at codon 1052 of the WDR19 protein (p.Asn1052Lys). This variant is not present in population databases (gnomAD no frequency). This variant has not been reported in the literature in individuals affected with WDR19-related conditions. Algorithms developed to predict the effect of missense changes on protein structure and function (SIFT, PolyPhen-2, Align-GVGD) all suggest that this variant is likely to be tolerated. In summary, the available evidence is currently insufficient to determine the role of this variant in disease. Therefore, it has been classified as a Variant of Uncertain Significance.